The following is an entry in ClinVar:

NM_002691.4(POLD1):c.3044G>T (p.Cys1015Phe)

Gene: POLD1 (DNA polymerase delta 1, catalytic subunit; plus strand). Cytogenetic location: 19q13.33.
Variant type: single nucleotide variant.
Coding change: c.3044G>T on transcript NM_002691.4 (MANE Select); coding-DNA position 3044, G replaced by T.
Protein change: p.Cys1015Phe; replaces cysteine 1015 with phenylalanine.
Molecular consequence: missense variant. On other transcripts: non-coding transcript variant (1).
Genome position (GRCh38, 1-based): chr19:50,416,700, G>T. VCF-style: chr19-50416700-G-T. GRCh37 (hg19) VCF-style: chr19-50919957-G-T.
Other names: c.3044G>T, p.Cys1015Phe (NM_001256849.1, NM_001438212.1, NM_001438213.1); c.3122G>T, p.Cys1041Phe (NM_001308632.1); c.2972G>T, p.Cys991Phe (NM_001438210.1, NM_001438211.1); short protein forms C1041F, C991F, C1015F.
Identifiers: ClinVar variation 4720621 (VCV004720621.1).

ClinVar aggregate classification (germline): Uncertain significance (1 of 4 stars; one submission).

Conditions:
POLD1-related polyposis and colorectal cancer syndrome (CRCS10). Also called: COLORECTAL CANCER, SUSCEPTIBILITY TO, ON CHROMOSOME 19q; Colorectal cancer 10; Colorectal cancer, susceptibility to, 10. Identifiers: Orphanet 220460, MedGen C2675481, MONDO:0012953, OMIM 612591.

Submission:

Labcorp Genetics (formerly Invitae), Labcorp
Classification: Uncertain significance for POLD1-related polyposis and colorectal cancer syndrome. Last evaluated: 2025-09-22. Review status: criteria provided, single submitter. Criteria: Invitae Variant Classification Sherloc (09022015). Collection method: clinical testing. Allele origin: germline.
Comment: This sequence change replaces cysteine, which is neutral and slightly polar, with phenylalanine, which is neutral and non-polar, at codon 1015 of the POLD1 protein (p.Cys1015Phe). This variant is not present in population databases (gnomAD no frequency). This variant has not been reported in the literature in individuals affected with POLD1-related conditions. Invitae Evidence Modeling of protein sequence and biophysical properties (such as structural, functional, and spatial information, amino acid conservation, physicochemical variation, residue mobility, and thermodynamic stability) indicates that this missense variant is expected to disrupt POLD1 protein function with a positive predictive value of 80%. In summary, the available evidence is currently insufficient to determine the role of this variant in disease. Therefore, it has been classified as a Variant of Uncertain Significance.